The following is an entry in ClinVar:

ClinVar aggregate classification (germline): Uncertain significance (0 of 4 stars; one submission).

Conditions:
TNPO2-related disorder. Also called: TNPO2-related condition.

gnomAD v4.1: 1 of 1,608,052 alleles (0.000062%); highest among the groups gnomAD compares: Non-Finnish European, 0.000085%; no homozygotes.

Submission:

PreventionGenetics, part of Exact Sciences
Classification: Uncertain significance for TNPO2-related condition. Last evaluated: 2024-04-24. Review status: no assertion criteria provided. Collection method: clinical testing. Allele origin: germline.
Comment: The TNPO2 c.2104T>A variant is predicted to result in the amino acid substitution p.Cys702Ser. To our knowledge, this variant has not been reported in the literature or in gnomAD, indicating this variant is rare. At this time, the clinical significance of this variant is uncertain due to the absence of conclusive functional and genetic evidence.

NM_001382241.1(TNPO2):c.2104T>A (p.Cys702Ser)

Gene: TNPO2 (transportin 2; minus strand). Cytogenetic location: 19p13.13.
Variant type: single nucleotide variant.
Coding change: c.2104T>A on transcript NM_001382241.1 (MANE Select); coding-DNA position 2104, T replaced by A.
Protein change: p.Cys702Ser; replaces cysteine 702 with serine.
Molecular consequence: missense variant. On other transcripts: non-coding transcript variant (6).
Genome position (GRCh38, 1-based): chr19:12,703,720, A>T on the plus strand (T>A on the coding strand, the complement: TNPO2 is on the minus strand). VCF-style: chr19-12703720-A-T. GRCh37 (hg19) VCF-style: chr19-12814534-A-T.
Other names: c.2104T>A, p.Cys702Ser (NM_001136195.2, NM_001136196.2, NM_001382236.1 and 7 more transcripts); short protein forms C702S.
Identifiers: ClinVar variation 3351746 (VCV003351746.1).